The following is an entry in ClinVar:

ClinVar aggregate classification (germline): Conflicting classifications of pathogenicity. Review status: criteria provided, conflicting classifications (1 of 4 stars). 4 submissions from 4 submitters: Uncertain significance (3); Likely benign (1). Last evaluated 2026-02-01.

Allele frequency attached by ClinVar (database versions not stated): ExAC 0.00001; gnomAD exomes 0.00001; TOPMed 0.00002.
gnomAD v4.1: 6 of 1,211,437 alleles (0.0005%); highest among the groups gnomAD compares: Admixed American, 0.011%; no homozygotes.

Submissions (4):

CeGaT Center for Human Genetics Tuebingen
Classification: Uncertain significance. Last evaluated: 2026-02-01. Review status: criteria provided, single submitter. Criteria: CeGaT Center For Human Genetics Tuebingen Variant Classification Criteria Version 2. Collection method: clinical testing. Allele origin: germline. Affected: yes. Observed: 1 variant allele.
Comment: NEXMIF: PM2, BP4

Labcorp Genetics (formerly Invitae), Labcorp
Classification: Uncertain significance. Last evaluated: 2026-01-13. Review status: criteria provided, single submitter. Criteria: Invitae Variant Classification Sherloc (09022015). Collection method: clinical testing. Allele origin: germline.
Comment: This sequence change replaces glycine, which is neutral and non-polar, with alanine, which is neutral and non-polar, at codon 586 of the NEXMIF protein (p.Gly586Ala). This variant is present in population databases (rs776845564, gnomAD 0.008%). This variant has not been reported in the literature in individuals affected with NEXMIF-related conditions. ClinVar contains an entry for this variant (Variation ID: 568480). An algorithm developed to predict the effect of missense changes on protein structure and function outputs the following: PolyPhen-2: "Benign". The alanine amino acid residue is found in multiple mammalian species, which suggests that this missense change does not adversely affect protein function. In summary, the available evidence is currently insufficient to determine the role of this variant in disease. Therefore, it has been classified as a Variant of Uncertain Significance.

GeneDx
Classification: Likely benign. Last evaluated: 2019-01-03. Review status: criteria provided, single submitter. Criteria: GeneDx Variant Classification Process June 2021. Collection method: clinical testing. Allele origin: germline. Affected: yes.

Ambry Genetics
Classification: Uncertain significance. Last evaluated: 2016-03-21. Review status: criteria provided, single submitter. Criteria: Ambry Variant Classification Scheme 2023. Collection method: clinical testing. Allele origin: germline.
Comment: The p.G586A variant (also known as c.1757G>C), located in coding exon 2 of the KIAA2022 gene, results from a G to C substitution at nucleotide position 1757. The glycine at codon 586 is replaced by alanine, an amino acid with similar properties. This variant was not reported in population based cohorts in the following databases: Database of Single Nucleotide Polymorphisms (dbSNP), NHLBI Exome Sequencing Project (ESP), and 1000 Genomes Project. In the ESP, this variant was not observed in 6503 samples with coverage at this position. This amino acid position is not well conserved in available vertebrate species. In addition, this alteration is predicted to be tolerated by in silico analysis. Since supporting evidence is limited at this time, the clinical significance of p.G586A remains unclear.

NM_001008537.3(NEXMIF):c.1757G>C (p.Gly586Ala)

Gene: NEXMIF (neurite extension and migration factor; minus strand). Cytogenetic location: Xq13.3.
Variant type: single nucleotide variant.
Coding change: c.1757G>C on transcript NM_001008537.3 (MANE Select); coding-DNA position 1757, G replaced by C.
Protein change: p.Gly586Ala; replaces glycine 586 with alanine.
Molecular consequence: missense variant.
Genome position (GRCh38, 1-based): chrX:74,742,800, C>G on the plus strand (G>C on the coding strand, the complement: NEXMIF is on the minus strand). VCF-style: chrX-74742800-C-G. GRCh37 (hg19) VCF-style: chrX-73962635-C-G.
Other names: short protein forms G586A.
Identifiers: ClinVar variation 568480 (VCV000568480.21), dbSNP rs776845564, ClinGen allele CA10455098.